The following is an entry in ClinVar:

ClinVar aggregate classification (germline): Uncertain significance (1 of 4 stars; one submission).

Submission:

Ambry Genetics
Classification: Uncertain significance. Last evaluated: 2025-01-28. Review status: criteria provided, single submitter. Criteria: Ambry Variant Classification Scheme 2023. Collection method: clinical testing. Allele origin: germline.
Comment: The p.P323S variant (also known as c.967C>T), located in coding exon 7 of the ATRIP gene, results from a C to T substitution at nucleotide position 967. The proline at codon 323 is replaced by serine, an amino acid with similar properties. This amino acid position is conserved. In addition, this alteration is predicted to be tolerated by in silico analysis. Based on the available evidence, the clinical significance of this variant remains unclear.

NM_130384.3(ATRIP):c.967C>T (p.Pro323Ser)

Genes: ATRIP (ATR interacting protein; plus strand), ATRIP-TREX1 (ATRIP-TREX1 readthrough; plus strand). Cytogenetic location: 3p21.31.
Variant type: single nucleotide variant.
Coding change: c.967C>T on transcript NM_130384.3 (MANE Select); coding-DNA position 967, C replaced by T.
Protein change: p.Pro323Ser; replaces proline 323 with serine.
Molecular consequence: missense variant. On other transcripts: non-coding transcript variant (1).
Genome position (GRCh38, 1-based): chr3:48,459,828, C>T. VCF-style: chr3-48459828-C-T. GRCh37 (hg19) VCF-style: chr3-48501227-C-T.
Other names: c.586C>T, p.Pro196Ser (NM_001271022.2); c.688C>T, p.Pro230Ser (NM_001271023.2); c.967C>T, p.Pro323Ser (NM_032166.4); short protein forms P230S, P196S, P323S.
Identifiers: ClinVar variation 3810193 (VCV003810193.1).
Genomic context (GRCh38, chr3:48,459,828, plus strand): 5'-GTCATCTTGTCTTCTGCAGGTTCCATTTTGATAAACCTGCTCCTGAAGCAGCCTTTGATC[C>T]CAGGGTCATCCCTAAGCCTTTGCCACCTCCTGAGTAGTAGTTCTGAGTCTCCTGCTGGCA-3'
Protein context (NP_569055.1, residues 313-333): INLLLKQPLI[Pro323Ser]GSSLSLCHLL